The following is an entry in ClinVar:

ClinVar aggregate classification (germline): Likely benign (1 of 4 stars; one submission).

gnomAD v4.1: 1 of 1,613,916 alleles (0.000062%); highest among the groups gnomAD compares: South Asian, 0.0011%; no homozygotes.

Submission:

CeGaT Center for Human Genetics Tuebingen
Classification: Likely benign. Last evaluated: 2026-02-01. Review status: criteria provided, single submitter. Criteria: CeGaT Center For Human Genetics Tuebingen Variant Classification Criteria Version 2. Collection method: clinical testing. Allele origin: germline. Affected: yes. Observed: 1 variant allele.
Comment: CAPRIN1: BP4

NM_005898.5(CAPRIN1):c.997G>A (p.Ala333Thr)

Gene: CAPRIN1 (cell cycle associated protein 1; plus strand). Cytogenetic location: 11p13.
Variant type: single nucleotide variant.
Coding change: c.997G>A on transcript NM_005898.5 (MANE Select); coding-DNA position 997, G replaced by A.
Protein change: p.Ala333Thr; replaces alanine 333 with threonine.
Molecular consequence: missense variant.
Genome position (GRCh38, 1-based): chr11:34,086,094, G>A. VCF-style: chr11-34086094-G-A. GRCh37 (hg19) VCF-style: chr11-34107641-G-A.
Other names: c.997G>A, p.Ala333Thr (NM_203364.3); short protein forms A333T.
Identifiers: ClinVar variation 4821851 (VCV004821851.4).